The following is an entry in ClinVar:

ClinVar aggregate classification (germline): Uncertain significance (1 of 4 stars; one submission).

Conditions:
Common variable immunodeficiency (CVID). Also called: Common variable hypogamma-globulinemia; Common variable agammaglobulinemia. Identifiers: Orphanet 1572, MedGen C0009447, MONDO:0015517.

Allele frequency attached by ClinVar (database versions not stated): gnomAD 0.00001.
gnomAD v4.1: 5 of 1,358,880 alleles (0.00037%); highest among the groups gnomAD compares: Admixed American, 0.0037%; no homozygotes.

Submission:

Labcorp Genetics (formerly Invitae), Labcorp
Classification: Uncertain significance for Common variable immunodeficiency. Last evaluated: 2025-05-05. Review status: criteria provided, single submitter. Criteria: Invitae Variant Classification Sherloc (09022015). Collection method: clinical testing. Allele origin: germline.
Comment: This sequence change replaces proline, which is neutral and non-polar, with leucine, which is neutral and non-polar, at codon 23 of the TNFSF12 protein (p.Pro23Leu). This variant is not present in population databases (gnomAD no frequency). This variant has not been reported in the literature in individuals affected with TNFSF12-related conditions. ClinVar contains an entry for this variant (Variation ID: 1414300). An algorithm developed to predict the effect of missense changes on protein structure and function (PolyPhen-2) suggests that this variant is likely to be tolerated. In summary, the available evidence is currently insufficient to determine the role of this variant in disease. Therefore, it has been classified as a Variant of Uncertain Significance.

NM_003809.3(TNFSF12):c.68C>T (p.Pro23Leu)

Genes: TNFSF12 (TNF superfamily member 12; plus strand), TNFSF12-TNFSF13 (TNFSF12-TNFSF13 readthrough; plus strand), LOC130060153 (ATAC-STARR-seq lymphoblastoid silent region 8127; plus strand). Cytogenetic location: 17p13.1.
Variant type: single nucleotide variant.
Coding change: c.68C>T on transcript NM_003809.3 (MANE Select); coding-DNA position 68, C replaced by T.
Protein change: p.Pro23Leu; replaces proline 23 with leucine.
Molecular consequence: missense variant. On other transcripts: non-coding transcript variant (1).
Genome position (GRCh38, 1-based): chr17:7,549,221, C>T. VCF-style: chr17-7549221-C-T. GRCh37 (hg19) VCF-style: chr17-7452538-C-T.
Other names: c.68C>T, p.Pro23Leu (NM_172089.4); short protein forms P23L.
Identifiers: ClinVar variation 1414300 (VCV001414300.8), dbSNP rs753098151, ClinGen allele CA8350684.